The following is an entry in ClinVar:

ClinVar aggregate classification (germline): Benign/Likely benign. Review status: criteria provided, multiple submitters, no conflicts (2 of 4 stars). 3 submissions from 3 submitters: Benign (1); Likely benign (2). Last evaluated 2024-11-06.

Conditions:
Renal cell carcinoma. Identifiers: Orphanet 217071, MedGen C0007134, MeSH D002292, MONDO:0005086, HP:0005584.
Hereditary cancer-predisposing syndrome. Also called: Tumor predisposition; Hereditary Cancer Syndrome; Hereditary neoplastic syndrome; Neoplastic Syndromes, Hereditary. Identifiers: Orphanet 140162, MedGen C0027672, MeSH D009386, MONDO:0015356.
Papillary renal cell carcinoma type 1 (RCCP1). Also called: RENAL CELL CARCINOMA, PAPILLARY, 1, SOMATIC; Renal adenocarcinoma; Renal cell carcinoma 1; Renal cell carcinoma, somatic. Identifiers: Orphanet 47044, MedGen C1336839, OMIM 605074, HP:0011797.

Allele frequency attached by ClinVar (database versions not stated): TOPMed below 0.00001; ExAC 0.00001; gnomAD 0.00001; gnomAD exomes 0.00001.
gnomAD v4.1: 19 of 1,613,930 alleles (0.0012%); highest among the groups gnomAD compares: East Asian, 0.0022%; no homozygotes.

Submissions (3):

Myriad Genetics, Inc.
Classification: Benign for Papillary renal cell carcinoma type 1. Last evaluated: 2024-11-06. Review status: criteria provided, single submitter. Criteria: Myriad Autosomal Dominant, Autosomal Recessive and X-Linked Classification Criteria (2023). Collection method: clinical testing. Allele origin: unknown.
Comment: This variant is considered benign. This variant is a silent/synonymous amino acid change and it is not expected to impact splicing.

Labcorp Genetics (formerly Invitae), Labcorp
Classification: Likely benign for Renal cell carcinoma. Last evaluated: 2024-04-29. Review status: criteria provided, single submitter. Criteria: Invitae Variant Classification Sherloc (09022015). Collection method: clinical testing. Allele origin: germline.

Ambry Genetics
Classification: Likely benign for Hereditary cancer-predisposing syndrome. Last evaluated: 2016-11-14. Review status: criteria provided, single submitter. Criteria: Ambry Variant Classification Scheme 2023. Collection method: clinical testing. Allele origin: germline.

NM_000245.4(MET):c.630A>G (p.Pro210=)

Gene: MET (MET proto-oncogene, receptor tyrosine kinase; plus strand). Cytogenetic location: 7q31.2.
Variant type: single nucleotide variant.
Coding change: c.630A>G on transcript NM_000245.4 (MANE Select); coding-DNA position 630, A replaced by G.
Protein change: p.Pro210=; no amino-acid change (proline 210 retained).
Molecular consequence: synonymous variant. On other transcripts: intron variant (1).
Genome position (GRCh38, 1-based): chr7:116,699,714, A>G. VCF-style: chr7-116699714-A-G. GRCh37 (hg19) VCF-style: chr7-116339768-A-G.
Other names: c.630A>G, p.Pro210= (NM_001127500.3, NM_001324401.3); c.-91+27137A>G (NM_001324402.2).
Identifiers: ClinVar variation 485770 (VCV000485770.15), dbSNP rs770257335, ClinGen allele CA4448010.